The following is an entry in ClinVar:

NM_199420.4(POLQ):c.6185C>G (p.Ser2062Cys)

Gene: POLQ (DNA polymerase theta; minus strand). Cytogenetic location: 3q13.33.
Variant type: single nucleotide variant.
Coding change: c.6185C>G on transcript NM_199420.4 (MANE Select); coding-DNA position 6185, C replaced by G.
Protein change: p.Ser2062Cys; replaces serine 2062 with cysteine.
Molecular consequence: missense variant.
Genome position (GRCh38, 1-based): chr3:121,481,598, G>C on the plus strand (C>G on the coding strand, the complement: POLQ is on the minus strand). VCF-style: chr3-121481598-G-C. GRCh37 (hg19) VCF-style: chr3-121200445-G-C.
Other names: short protein forms S2062C.
Identifiers: ClinVar variation 3308686 (VCV003308686.1).

ClinVar aggregate classification (germline): Uncertain significance (1 of 4 stars; one submission).

gnomAD v4.1: 1 of 1,608,494 alleles (0.000062%); highest among the groups gnomAD compares: South Asian, 0.0011%; no homozygotes.

Submission:

Ambry Genetics
Classification: Uncertain significance. Last evaluated: 2024-05-17. Review status: criteria provided, single submitter. Criteria: Ambry Variant Classification Scheme 2023. Collection method: clinical testing. Allele origin: germline.
Comment: The p.S2062C variant (also known as c.6185C>G), located in coding exon 19 of the POLQ gene, results from a C to G substitution at nucleotide position 6185. The serine at codon 2062 is replaced by cysteine, an amino acid with dissimilar properties. This amino acid position is conserved. In addition, this alteration is predicted to be tolerated by in silico analysis. Based on the available evidence, the clinical significance of this variant remains unclear.